The following is an entry in ClinVar:

NM_021076.4(NEFH):c.433C>T (p.Leu145=)

Gene: NEFH (neurofilament heavy chain; plus strand). Cytogenetic location: 22q12.2.
Variant type: single nucleotide variant.
Coding change: c.433C>T on transcript NM_021076.4 (MANE Select); coding-DNA position 433, C replaced by T.
Protein change: p.Leu145=; no amino-acid change (leucine 145 retained).
Molecular consequence: synonymous variant.
Genome position (GRCh38, 1-based): chr22:29,480,695, C>T. VCF-style: chr22-29480695-C-T. GRCh37 (hg19) VCF-style: chr22-29876684-C-T.
Identifiers: ClinVar variation 752351 (VCV000752351.10), dbSNP rs573961510, ClinGen allele CA10174017.

ClinVar aggregate classification (germline): Benign/Likely benign. Review status: criteria provided, multiple submitters, no conflicts (2 of 4 stars). 2 submissions from 2 submitters: Benign (1); Likely benign (1). Last evaluated 2026-09-09.

Conditions:
NEFH-related disorder. Also called: NEFH-related condition.

Allele frequency attached by ClinVar (database versions not stated): gnomAD 0.00017 and 0.00019; TOPMed 0.00018; 1000 Genomes Project 0.00020; 1000 Genomes Project 30x 0.00031.

Submissions (2):

PreventionGenetics, part of Exact Sciences
Classification: Likely benign for NEFH-related condition. Last evaluated: 2026-09-09. Review status: criteria provided, single submitter. Criteria: ACMG Guidelines, 2015. Collection method: clinical testing. Allele origin: germline.
Comment: This variant is classified as likely benign based on ACMG/AMP sequence variant interpretation guidelines (Richards et al. 2015 PMID: 25741868, with internal and published modifications).

Labcorp Genetics (formerly Invitae), Labcorp
Classification: Benign. Last evaluated: 2024-12-16. Review status: criteria provided, single submitter. Criteria: Invitae Variant Classification Sherloc (09022015). Collection method: clinical testing. Allele origin: germline.